The following is an entry in ClinVar:

NM_001244008.2(KIF1A):c.3950A>G (p.Asn1317Ser)

Gene: KIF1A (kinesin family member 1A; minus strand). Cytogenetic location: 2q37.3.
Variant type: single nucleotide variant.
Coding change: c.3950A>G on transcript NM_001244008.2 (MANE Select); coding-DNA position 3950, A replaced by G.
Protein change: p.Asn1317Ser; replaces asparagine 1317 with serine.
Molecular consequence: missense variant.
Genome position (GRCh38, 1-based): chr2:240,737,120, T>C on the plus strand (A>G on the coding strand, the complement: KIF1A is on the minus strand). VCF-style: chr2-240737120-T-C. GRCh37 (hg19) VCF-style: chr2-241676537-T-C.
Other names: c.3674A>G, p.Asn1225Ser (NM_001320705.2, NM_001330289.2, NM_001379638.1); c.3749A>G, p.Asn1250Ser (NM_001330290.2, NM_001379634.1, NM_001379635.1 and 1 more transcripts); c.4025A>G, p.Asn1342Ser (NM_001379631.1); c.3899A>G, p.Asn1300Ser (NM_001379632.1); c.3923A>G, p.Asn1308Ser (NM_001379633.1, NM_001379642.1, NM_001379645.1); c.3761A>G, p.Asn1254Ser (NM_001379636.1); c.3722A>G, p.Asn1241Ser (NM_001379637.1, NM_001379648.1); c.3647A>G, p.Asn1216Ser (NM_001379639.1, NM_001379641.1, NM_001379649.1 and 4 more transcripts); and 1 more; short protein forms N1215S, N1300S, N1317S, N1250S, N1225S, N1342S, N1216S, N1241S.
Identifiers: ClinVar variation 932716 (VCV000932716.44), dbSNP rs374267267, ClinGen allele CA68146392.
Genomic context (GRCh38, chr2:240,737,120, plus strand): 5'-CACCGGTCATCTTGGGCTGGGTGGATGTATCCGGAAGAGAGGATGTTGAGAGACAAGATG[T>C]TGGGGTCGATCAGGGACTCGTCGGTCTCTGGAGTGTTTCGGATGCGGCCTGCAGAAAAGG-3'
Protein context (NP_001230937.1, residues 1307-1327): PETDESLIDP[Asn1317Ser]ILSLNILSSG

ClinVar aggregate classification (germline): Uncertain significance. Review status: criteria provided, multiple submitters, no conflicts (2 of 4 stars). 2 submissions from 2 submitters: Uncertain significance (2). Last evaluated 2022-12-02.

Conditions:
Hereditary spastic paraplegia 30. Identifiers: Orphanet 101010, MedGen C5235139, MONDO:0012476.
Neuropathy, hereditary sensory, type 2C. Also called: Hereditary sensory and autonomic neuropathy type IIC; KIF1A-Related HSAN2 (HSAN2C). Identifiers: Orphanet 970, MedGen C3280168, MONDO:0013634, OMIM 614213.
Intellectual disability, autosomal dominant 9 (NESCAVS). Also called: KIF1A-Related Neurodevelopmental Disorder; NESCAV SYNDROME. Identifiers: Orphanet 662367, MedGen C5393830, MONDO:0013656, OMIM 614255.

Allele frequency attached by ClinVar (database versions not stated): gnomAD 0.00001; TOPMed 0.00001; gnomAD exomes 0.00002; ESP Exome Variant Server 0.00008.
gnomAD v4.1: 26 of 1,613,390 alleles (0.0016%); highest among the groups gnomAD compares: Non-Finnish European, 0.002%; no homozygotes.

Submissions (2):

Labcorp Genetics (formerly Invitae), Labcorp
Classification: Uncertain significance for Hereditary spastic paraplegia 30; Neuropathy, hereditary sensory, type 2C; Intellectual disability, autosomal dominant 9. Last evaluated: 2022-12-02. Review status: criteria provided, single submitter. Criteria: Invitae Variant Classification Sherloc (09022015). Collection method: clinical testing. Allele origin: germline.
Comment: This sequence change replaces asparagine, which is neutral and polar, with serine, which is neutral and polar, at codon 1216 of the KIF1A protein (p.Asn1216Ser). This variant is present in population databases (rs374267267, gnomAD 0.007%). In summary, the available evidence is currently insufficient to determine the role of this variant in disease. Therefore, it has been classified as a Variant of Uncertain Significance. Advanced modeling of protein sequence and biophysical properties (such as structural, functional, and spatial information, amino acid conservation, physicochemical variation, residue mobility, and thermodynamic stability) performed at Invitae indicates that this missense variant is not expected to disrupt KIF1A protein function. ClinVar contains an entry for this variant (Variation ID: 932716). This variant has not been reported in the literature in individuals affected with KIF1A-related conditions.

CeGaT Center for Human Genetics Tuebingen
Classification: Uncertain significance. Last evaluated: 2020-07-01. Review status: criteria provided, single submitter. Criteria: CeGaT Center For Human Genetics Tuebingen Variant Classification Criteria Version 2. Collection method: clinical testing. Allele origin: germline. Affected: yes. Observed: 1 variant allele.